The following is an entry in ClinVar:

ClinVar aggregate classification (germline): Benign/Likely benign. Review status: criteria provided, multiple submitters, no conflicts (2 of 4 stars). 7 submissions from 7 submitters: Benign (1); Likely benign (6). Last evaluated 2025-11-25.

Conditions:
Lynch syndrome 5 (LYNCH5). Also called: Hereditary non-polyposis colorectal cancer, type 5; Colorectal cancer, hereditary nonpolyposis, type 5. Identifiers: Orphanet 144, MedGen C1833477, MONDO:0013710, OMIM 614350. Disease mechanism: loss of function.
Hereditary nonpolyposis colorectal neoplasms. Identifiers: MedGen C0009405, MeSH D003123.
Hereditary cancer-predisposing syndrome. Also called: Hereditary Cancer Syndrome; Hereditary neoplastic syndrome; Neoplastic Syndromes, Hereditary; Tumor predisposition. Identifiers: Orphanet 140162, MedGen C0027672, MeSH D009386, MONDO:0015356.

Allele frequency attached by ClinVar (database versions not stated): gnomAD exomes below 0.00001; ExAC 0.00001; gnomAD 0.00001; TOPMed 0.00002.
gnomAD v4.1: 2 of 1,612,074 alleles (0.00012%); highest among the groups gnomAD compares: African/African-American, 0.0013%; no homozygotes.

Submissions (7):

Labcorp Genetics (formerly Invitae), Labcorp
Classification: Likely benign for Hereditary nonpolyposis colorectal neoplasms. Last evaluated: 2025-11-25. Review status: criteria provided, single submitter. Criteria: Invitae Variant Classification Sherloc (09022015). Collection method: clinical testing. Allele origin: germline.

Quest Diagnostics Nichols Institute San Juan Capistrano
Classification: Likely benign. Last evaluated: 2025-10-08. Review status: criteria provided, single submitter. Criteria: Quest Diagnostics criteria. Collection method: clinical testing. Allele origin: unknown.

Myriad Genetics, Inc.
Classification: Benign for Lynch syndrome 5. Last evaluated: 2024-12-16. Review status: criteria provided, single submitter. Criteria: Myriad Autosomal Dominant, Autosomal Recessive and X-Linked Classification Criteria (2023). Collection method: clinical testing. Allele origin: unknown.
Comment: This variant is considered benign. This variant is a silent/synonymous amino acid change and it is not expected to impact splicing.

Ambry Genetics
Classification: Likely benign for Hereditary cancer-predisposing syndrome. Last evaluated: 2021-01-15. Review status: criteria provided, single submitter. Criteria: Ambry Variant Classification Scheme 2023. Collection method: clinical testing. Allele origin: germline.

Women's Health and Genetics/Laboratory Corporation of America, LabCorp
Classification: Likely benign. Last evaluated: 2020-09-04. Review status: criteria provided, single submitter. Criteria: LabCorp Variant Classification Summary - May 2015. Collection method: clinical testing. Allele origin: germline.

GeneDx
Classification: Likely benign. Last evaluated: 2016-07-06. Review status: criteria provided, single submitter. Criteria: GeneDx Variant Classification (06012015). Collection method: clinical testing. Allele origin: germline. Affected: yes.
Comment: This variant is considered likely benign or benign based on one or more of the following criteria: it is a conservative change, it occurs at a poorly conserved position in the protein, it is predicted to be benign by multiple in silico algorithms, and/or has population frequency not consistent with disease.

Color Diagnostics, LLC DBA Color Health
Classification: Likely benign for Hereditary cancer-predisposing syndrome. Last evaluated: 2016-04-27. Review status: criteria provided, single submitter. Criteria: ACMG Guidelines, 2015. Collection method: clinical testing. Allele origin: germline.

NM_000179.3(MSH6):c.57T>C (p.Asp19=)

Gene: MSH6 (mutS homolog 6; plus strand). Cytogenetic location: 2p16.3.
Variant type: single nucleotide variant.
Coding change: c.57T>C on transcript NM_000179.3 (MANE Select); coding-DNA position 57, T replaced by C.
Protein change: p.Asp19=; no amino-acid change (aspartic acid 19 retained).
Molecular consequence: synonymous variant. On other transcripts: 5 prime UTR variant (1).
Genome position (GRCh38, 1-based): chr2:47,783,290, T>C. VCF-style: chr2-47783290-T-C. GRCh37 (hg19) VCF-style: chr2-48010429-T-C.
Other names: c.57T>C, p.Asp19= (NM_001281492.2); c.-680T>C (NM_001281493.2).
Identifiers: ClinVar variation 387635 (VCV000387635.18), dbSNP rs752794296, ClinGen allele CA073135.